The following is an entry in ClinVar:

NM_015450.3(POT1):c.1608_1613del (p.Pro537_Leu538del)

Gene: POT1 (protection of telomeres 1; minus strand). Cytogenetic location: 7q31.33.
Variant type: Deletion.
Coding change: c.1608_1613del on transcript NM_015450.3 (MANE Select); coding-DNA positions 1608 to 1613, 6 bases deleted (ACCCCT; older notation c.1608_1613delACCCCT).
Protein change: p.Pro537_Leu538del.
Molecular consequence: inframe deletion. On other transcripts: non-coding transcript variant (3).
Genome position (GRCh38, 1-based): chr7:124,827,287-124,827,292, AGGGGT deleted on the plus strand (ACCCCT on the coding strand, the reverse complement: POT1 is on the minus strand); deleting any 6 consecutive bases within chr7:124,827,287-124,827,293 gives the same sequence; the c. name uses the placement nearest the transcript's 3' end. VCF-style (leftmost placement, unchanged base first): chr7-124827286-GAGGGGT-G. GRCh37 (hg19) VCF-style: chr7-124467340-GAGGGGT-G.
Other names: c.1215_1220del, p.Pro406_Leu407del (NM_001042594.2); c.1608_1613del6 (NM_015450.2).
Identifiers: ClinVar variation 1019567 (VCV001019567.10), dbSNP rs1794654123, ClinGen allele CA1740714778.
Genomic context (GRCh38, chr7:124,827,286, plus strand): 5'-ATAGGCTTCTAGTACTCCTGTTCCATCATCAAGTGTAAAGGTCATAACAAACACATATTG[GAGGGGT>G]ACAATACCCAGTGCTAGTGAAGGAAAAAAAGATCAAACCATATGAGTCTGCTATTCCTTA-3'

ClinVar aggregate classification (germline): Uncertain significance. Review status: criteria provided, single submitter (1 of 4 stars). 2 submissions from 2 submitters: Uncertain significance (1). 1 of the submissions does not count toward it. Last evaluated 2025-04-13.

Conditions:
Tumor predisposition syndrome 3 (TPDS3). Also called: Glioma susceptibility 9; LONG TELOMERE SYNDROME, POT1-RELATED; POT1 Tumor Predisposition; Melanoma, cutaneous malignant, susceptibility to, 10. Identifiers: Orphanet 618, MedGen C4014476, MONDO:0014368, OMIM 615848.
POT1-related disorder. Also called: POT1-related condition.

Submissions (2):

Labcorp Genetics (formerly Invitae), Labcorp
Classification: Uncertain significance for Tumor predisposition syndrome 3. Last evaluated: 2025-04-13. Review status: criteria provided, single submitter. Criteria: Invitae Variant Classification Sherloc (09022015). Collection method: clinical testing. Allele origin: germline.
Comment: This variant, c.1608_1613del, results in the deletion of 2 amino acid(s) of the POT1 protein (p.Pro537_Leu538del), but otherwise preserves the integrity of the reading frame. This variant is not present in population databases (gnomAD no frequency). This variant has not been reported in the literature in individuals affected with POT1-related conditions. ClinVar contains an entry for this variant (Variation ID: 1019567). Experimental studies and prediction algorithms are not available or were not evaluated, and the functional significance of this variant is currently unknown. In summary, the available evidence is currently insufficient to determine the role of this variant in disease. Therefore, it has been classified as a Variant of Uncertain Significance.

PreventionGenetics, part of Exact Sciences
Classification: Uncertain significance for POT1-related condition. Last evaluated: 2024-08-23. Review status: no assertion criteria provided. Collection method: clinical testing. Allele origin: germline. Not counted in ClinVar's aggregate classification.
Comment: The POT1 c.1608_1613del6 variant is predicted to result in an in-frame deletion (p.Pro537_Leu538del). To our knowledge, this variant has not been reported in the literature or in a large population database, indicating this variant is rare. At this time, the clinical significance of this variant is uncertain due to the absence of conclusive functional and genetic evidence.